The following is an entry in ClinVar:

NM_000089.4(COL1A2):c.2499A>G (p.Glu833=)

Gene: COL1A2 (collagen type I alpha 2 chain; plus strand). Cytogenetic location: 7q21.3.
Variant type: single nucleotide variant.
Coding change: c.2499A>G on transcript NM_000089.4 (MANE Select); coding-DNA position 2499, A replaced by G.
Protein change: p.Glu833=; no amino-acid change (glutamic acid 833 retained).
Molecular consequence: synonymous variant.
Genome position (GRCh38, 1-based): chr7:94,423,052, A>G. VCF-style: chr7-94423052-A-G. GRCh37 (hg19) VCF-style: chr7-94052364-A-G.
Identifiers: ClinVar variation 3372321 (VCV003372321.1).

ClinVar aggregate classification (germline): Uncertain significance (1 of 4 stars; one submission).

Submission:

GeneDx
Classification: Uncertain significance. Last evaluated: 2024-04-08. Review status: criteria provided, single submitter. Criteria: GeneDx Variant Classification Process June 2021. Collection method: clinical testing. Allele origin: germline. Affected: yes.
Comment: Not observed at significant frequency in large population cohorts (gnomAD); In silico analysis supports a deleterious effect on splicing; Has not been previously published as pathogenic or benign to our knowledge